The following is an entry in ClinVar:

ClinVar aggregate classification (germline): Uncertain significance (1 of 4 stars; one submission).

Conditions:
Hypophosphatasia. Also called: Phosphoethanol-aminuria. Identifiers: Orphanet 436, MedGen C0020630, MeSH D007014, MONDO:0018570.

gnomAD v4.1: 3 of 1,613,976 alleles (0.00019%); highest among the groups gnomAD compares: Non-Finnish European, 0.00017%; no homozygotes.

Submission:

Genomenon, Inc
Classification: Uncertain significance for Hypophosphatasia. Last evaluated: 2026-09-01. Review status: criteria provided, single submitter. Criteria: Genomenon Sequence Variant Interpretation Standards - Updated. Collection method: curation. Allele origin: germline. Affected: no.
Comment: ALPL p.Gln207Arg (c.620A>G) is a missense variant that changes the amino acid at codon 207 from Glutamine to Arginine. This variant has been reported in the published literature (PMID:39983296). It is absent or not present at a significant frequency in gnomAD. In silico models predict that this variant is possibly or probably damaging. In conclusion, we classify ALPL p.Gln207Arg (c.620A>G) as a variant of uncertain significance.

Literature cited by the submitters: PubMed 39983296.

NM_000478.6(ALPL):c.620A>G (p.Gln207Arg)

Gene: ALPL (alkaline phosphatase, biomineralization associated; plus strand). Cytogenetic location: 1p36.12.
Variant type: single nucleotide variant.
Coding change: c.620A>G on transcript NM_000478.6 (MANE Select); coding-DNA position 620, A replaced by G.
Protein change: p.Gln207Arg; replaces glutamine 207 with arginine.
Molecular consequence: missense variant.
Genome position (GRCh38, 1-based): chr1:21,564,188, A>G. VCF-style: chr1-21564188-A-G. GRCh37 (hg19) VCF-style: chr1-21890681-A-G.
Other names: c.455A>G, p.Gln152Arg (NM_001127501.4); c.389A>G, p.Gln130Arg (NM_001177520.3); c.620A>G, p.Gln207Arg (NM_001369803.2, NM_001369804.2, NM_001369805.2); short protein forms Q130R, Q152R, Q207R.
Identifiers: ClinVar variation 4974813 (VCV004974813.1).
Genomic context (GRCh38, chr1:21,564,188, plus strand): 5'-ACTCAGACAACGAGATGCCCCCTGAGGCCTTGAGCCAGGGCTGTAAGGACATCGCCTACC[A>G]GCTCATGCATAACATCAGGGACATTGACGTGAGTGCTCGGGGGCAGCCGGGCAGGGACGG-3'
Protein context (NP_000469.3, residues 197-217): LSQGCKDIAY[Gln207Arg]LMHNIRDIDV